The following is an entry in ClinVar:

NM_014946.4(SPAST):c.1359_1360dup (p.Glu454fs)

Gene: SPAST (spastin; plus strand). Cytogenetic location: 2p22.3.
Variant type: Duplication.
Coding change: c.1359_1360dup on transcript NM_014946.4 (MANE Select); coding-DNA positions 1359 to 1360, 2 bases duplicated (GG; older notation c.1359_1360dupGG).
Protein change: p.Glu454fs; shifts the reading frame from glutamic acid 454.
Molecular consequence: frameshift variant.
Genome position (GRCh38, 1-based): chr2:32,136,914-32,136,915, GG duplicated; duplicating any 2 consecutive bases within chr2:32,136,912-32,136,915 gives the same sequence; the c. name uses the placement nearest the transcript's 3' end. VCF-style (leftmost placement, unchanged base first): chr2-32136911-A-AGG. GRCh37 (hg19) VCF-style: chr2-32361980-A-AGG.
Other names: c.1359_1360dupGG (NM_014946.4); c.1356_1357dup, p.Glu453fs (NM_001363823.2); c.1260_1261dup, p.Glu421fs (NM_001363875.2); c.1263_1264dup, p.Glu422fs (NM_001377959.1, NM_199436.2); short protein forms E421fs, E422fs, E454fs, E453fs.
Identifiers: ClinVar variation 805507 (VCV000805507.11), dbSNP rs1384312757, ClinGen allele CA767792717.

ClinVar aggregate classification (germline): Pathogenic. Review status: criteria provided, multiple submitters, no conflicts (2 of 4 stars). 3 submissions from 3 submitters: Pathogenic (3). Last evaluated 2025-09-03.

Conditions:
Hereditary spastic paraplegia 4. Also called: Familial spastic paraplegia autosomal dominant 2; Spastic Paraplegia 4; Spastic paraplegia 4, autosomal dominant. Identifiers: Orphanet 100985, MedGen C1866855, MONDO:0008438, OMIM 182601.

Submissions (3):

Women's Health and Genetics/Laboratory Corporation of America, LabCorp
Classification: Pathogenic for Hereditary spastic paraplegia 4. Last evaluated: 2025-09-03. Review status: criteria provided, single submitter. Criteria: LabCorp Variant Classification Summary - May 2015. Collection method: clinical testing. Allele origin: germline.
Comment: Variant summary: SPAST c.1359_1360dupGG (p.Glu454GlyfsX9) results in a premature termination codon, predicted to cause a truncation of the encoded protein or absence of the protein due to nonsense mediated decay, which are commonly known mechanisms for disease. The variant was absent in 251196 control chromosomes. c.1359_1360dupGG has been observed in multiple individuals affected with Spastic Paraplegia 4, Autosomal Dominant (example: Qin_2003). These data indicate that the variant is very likely to be associated with disease. The following publication has been ascertained in the context of this evaluation (PMID: 12736085). ClinVar contains an entry for this variant (Variation ID: 805507). Based on the evidence outlined above, the variant was classified as pathogenic.

Labcorp Genetics (formerly Invitae), Labcorp
Classification: Pathogenic for Hereditary spastic paraplegia 4. Last evaluated: 2024-12-22. Review status: criteria provided, single submitter. Criteria: Invitae Variant Classification Sherloc (09022015). Collection method: clinical testing. Allele origin: germline.
Comment: This sequence change creates a premature translational stop signal (p.Glu454Glyfs*9) in the SPAST gene. It is expected to result in an absent or disrupted protein product. Loss-of-function variants in SPAST are known to be pathogenic (PMID: 20932283). This variant is not present in population databases (gnomAD no frequency). This premature translational stop signal has been observed in individuals with spastic paraplegia (PMID: 12736085). It has also been observed to segregate with disease in related individuals. This variant is also known as nt 1485–1486 ins GG. ClinVar contains an entry for this variant (Variation ID: 805507). Algorithms developed to predict the effect of sequence changes on RNA splicing suggest that this variant may disrupt the consensus splice site. For these reasons, this variant has been classified as Pathogenic.

Athena Diagnostics
Classification: Pathogenic. Last evaluated: 2018-11-13. Review status: criteria provided, single submitter. Criteria: Athena Diagnostics Criteria. Collection method: clinical testing. Allele origin: germline.
Comment: The variant results in a shift of the reading frame, and is therefore predicted to result in the loss of a functional protein. Found in at least one symptomatic patient, and not found in general population data.

Literature cited by the submitters: PubMed 12736085 (cited by 3 submitters); PubMed 20932283 (cited by Labcorp Genetics (formerly Invitae), Labcorp).